The following is an entry in ClinVar:

NM_000277.3(PAH):c.60+9C>T

Gene: PAH (phenylalanine hydroxylase; minus strand). Cytogenetic location: 12q23.2.
Variant type: single nucleotide variant.
Coding change: c.60+9C>T on transcript NM_000277.3 (MANE Select); 9 bases into the intron after coding-DNA position 60, C replaced by T.
Molecular consequence: intron variant.
Genome position (GRCh38, 1-based): chr12:102,917,062, G>A on the plus strand (C>T on the coding strand, the complement: PAH is on the minus strand). VCF-style: chr12-102917062-G-A. GRCh37 (hg19) VCF-style: chr12-103310840-G-A.
Other names: c.60+9C>T (NM_001354304.2).
Identifiers: ClinVar variation 991626 (VCV000991626.10), dbSNP rs369454152, ClinGen allele CA6749059.

ClinVar aggregate classification (germline): Uncertain significance. Review status: reviewed by expert panel (3 of 4 stars). 3 submissions from 3 submitters: Uncertain significance (1). 2 of the submissions do not count toward it. Last evaluated 2023-07-23.

Conditions:
Phenylketonuria (PKU). Also called: OLIGOPHRENIA PHENYLPYRUVICA; Phenylketonuria (PKU); Phenylketonurias; FOLLING DISEASE. Identifiers: Orphanet 716, MedGen C0031485, MONDO:0009861, OMIM 261600. Disease mechanism: loss of function.

Allele frequency attached by ClinVar (database versions not stated): TOPMed 0.00008; gnomAD exomes below 0.00001 and 0.00002; ExAC 0.00002; gnomAD 0.00009; ESP Exome Variant Server 0.00008.
gnomAD v4.1: 20 of 1,613,998 alleles (0.0012%); highest among the groups gnomAD compares: African/African-American, 0.021%; no homozygotes.

Submissions (3):

ClinGen PAH Variant Curation Expert Panel
Classification: Uncertain significance for Phenylketonuria. Last evaluated: 2023-07-23. Review status: reviewed by expert panel. Criteria: ClinGen PAH ACMG Specifications v1. Collection method: curation. Allele origin: germline. Inheritance: Autosomal recessive inheritance.
Comment: The NM_000277.3:c.60+9C>T variant in PAH is an intronic variant affecting a nucleotide in intron 1. To our knowledge, this variant has not been reported in the literature and results of functional studies are unavailable. The highest population minor allele frequency in gnomAD v2.1.1 is 0.0002803 (7/24972 alleles) in the African/African American population (none of the population data codes are met). The computational splicing predictor SpliceAI gives a score of 0.01 for donor loss suggesting that the variant has no impact on splicing (BP4). There is a ClinVar entry for this variant (Variation ID: 991626, 1 star review status) with one submitter classifying the variant as a variant of uncertain significance and one submitter classifying the variant as likely benign. In summary, this variant meets the criteria to be classified as a variant of uncertain significance for PAH deficiency based on the ACMG/AMP criteria applied, as specified by the ClinGen PAH Variant Curation Expert Panel (Specifications Version 2.0): BP4.

Labcorp Genetics (formerly Invitae), Labcorp
Classification: Likely benign for Phenylketonuria. Last evaluated: 2025-10-24. Review status: criteria provided, single submitter. Criteria: Invitae Variant Classification Sherloc (09022015). Collection method: clinical testing. Allele origin: germline. Not counted in ClinVar's aggregate classification.

Natera, Inc.
Classification: Uncertain significance for Phenylketonuria. Last evaluated: 2020-04-17. Review status: no assertion criteria provided. Collection method: clinical testing. Allele origin: germline. Not counted in ClinVar's aggregate classification.